The following is an entry in ClinVar:

NM_001134363.3(RBM20):c.2855C>T (p.Thr952Ile)

Gene: RBM20 (RNA binding motif protein 20; plus strand). Cytogenetic location: 10q25.2.
Variant type: single nucleotide variant.
Coding change: c.2855C>T on transcript NM_001134363.3 (MANE Select); coding-DNA position 2855, C replaced by T.
Protein change: p.Thr952Ile; replaces threonine 952 with isoleucine.
Molecular consequence: missense variant.
Genome position (GRCh38, 1-based): chr10:110,821,474, C>T. VCF-style: chr10-110821474-C-T. GRCh37 (hg19) VCF-style: chr10-112581232-C-T.
Other names: short protein forms T952I.
Identifiers: ClinVar variation 165045 (VCV000165045.5), dbSNP rs727503390, ClinGen allele CA177706.

ClinVar aggregate classification (germline): Uncertain significance (1 of 4 stars; one submission).

Allele frequency attached by ClinVar (database versions not stated): ExAC 0.00005.
gnomAD v4.1: 5 of 1,551,846 alleles (0.00032%); highest among the groups gnomAD compares: South Asian, 0.0059%; no homozygotes.

Submission:

Laboratory for Molecular Medicine, Mass General Brigham Personalized Medicine
Classification: Uncertain significance. Last evaluated: 2013-05-08. Review status: criteria provided, single submitter. Criteria: LMM Criteria. Collection method: clinical testing. Allele origin: germline. Observed: 1 variant allele.
Comment: The Thr952Ile variant in RBM20 has not been reported in individuals with cardiom yopathy or in large population studies. Threonine (Thr) at position 952 is not c onserved in mammals, suggesting a change at this position is tolerated, though a dditional computational analyses (biochemical amino acid properties, AlignGVGD, PolyPhen2, and SIFT) do not provide strong support for or against an impact to t he protein. Additional information is needed to fully assess the clinical signif icance of the Thr952Ile variant.